The following is an entry in ClinVar:

ClinVar aggregate classification (germline): Uncertain significance (1 of 4 stars; one submission).

Conditions:
KBG syndrome (KBGS). Also called: ANKRD11-Related KBG Syndrome. Identifiers: Orphanet 2332, MedGen C0220687, MONDO:0007846, OMIM 148050.

gnomAD v4.1: 9 of 1,605,996 alleles (0.00056%); highest among the groups gnomAD compares: South Asian, 0.0055%; no homozygotes.

Submission:

Labcorp Genetics (formerly Invitae), Labcorp
Classification: Uncertain significance for KBG syndrome. Last evaluated: 2025-11-19. Review status: criteria provided, single submitter. Criteria: Invitae Variant Classification Sherloc (09022015). Collection method: clinical testing. Allele origin: germline.
Comment: This sequence change replaces serine, which is neutral and polar, with leucine, which is neutral and non-polar, at codon 1828 of the ANKRD11 protein (p.Ser1828Leu). This variant is present in population databases (rs755632399, gnomAD 0.007%). This variant has not been reported in the literature in individuals affected with ANKRD11-related conditions. Invitae Evidence Modeling of protein sequence and biophysical properties (such as structural, functional, and spatial information, amino acid conservation, physicochemical variation, residue mobility, and thermodynamic stability) indicates that this missense variant is not expected to disrupt ANKRD11 protein function with a negative predictive value of 95%. In summary, the available evidence is currently insufficient to determine the role of this variant in disease. Therefore, it has been classified as a Variant of Uncertain Significance.

NM_013275.6(ANKRD11):c.5483C>T (p.Ser1828Leu)

Gene: ANKRD11 (ankyrin repeat domain 11; minus strand). Cytogenetic location: 16q24.3.
Variant type: single nucleotide variant.
Coding change: c.5483C>T on transcript NM_013275.6 (MANE Select); coding-DNA position 5483, C replaced by T.
Protein change: p.Ser1828Leu; replaces serine 1828 with leucine.
Molecular consequence: missense variant.
Genome position (GRCh38, 1-based): chr16:89,281,059, G>A on the plus strand (C>T on the coding strand, the complement: ANKRD11 is on the minus strand). VCF-style: chr16-89281059-G-A. GRCh37 (hg19) VCF-style: chr16-89347467-G-A.
Other names: c.5483C>T, p.Ser1828Leu (NM_001256182.2, NM_001256183.2); short protein forms S1828L.
Identifiers: ClinVar variation 4738891 (VCV004738891.1).